The following is an entry in ClinVar:

ClinVar aggregate classification (germline): Benign/Likely benign. Review status: criteria provided, multiple submitters, no conflicts (2 of 4 stars). 4 submissions from 4 submitters: Benign (3); Likely benign (1). Last evaluated 2022-05-01.

Conditions:
White sponge nevus 1. Also called: LEUKOKERATOSIS, HEREDITARY MUCOSAL. Identifiers: MedGen C4011926, MONDO:0008676, OMIM 193900.

Allele frequency attached by ClinVar (database versions not stated): ExAC 0.00487; ESP Exome Variant Server 0.00692; gnomAD exomes 0.00754 and 0.00464; 1000 Genomes Project 30x 0.00141; 1000 Genomes Project 0.00160; TOPMed 0.00412; gnomAD 0.00421 and 0.00431.
gnomAD v4.1: 11,654 of 1,613,642 alleles (0.72%); highest among the groups gnomAD compares: Non-Finnish European, 0.86%; 69 homozygotes.

Submissions (4):

CeGaT Center for Human Genetics Tuebingen
Classification: Likely benign. Last evaluated: 2022-05-01. Review status: criteria provided, single submitter. Criteria: CeGaT Center For Human Genetics Tuebingen Variant Classification Criteria Version 2. Collection method: clinical testing. Allele origin: germline. Affected: yes. Observed: 1 variant allele.
Comment: KRT4: BP4, BP7

Labcorp Genetics (formerly Invitae), Labcorp
Classification: Benign. Last evaluated: 2019-12-31. Review status: criteria provided, single submitter. Criteria: Invitae Variant Classification Sherloc (09022015). Collection method: clinical testing. Allele origin: germline.

Illumina Laboratory Services, Illumina
Classification: Benign for White sponge nevus 1. Last evaluated: 2018-01-13. Review status: criteria provided, single submitter. Criteria: ICSL Variant Classification Criteria 13 December 2019. Collection method: clinical testing. Allele origin: germline.
Comment: This variant was observed in the ICSL laboratory as part of a predisposition screen in an ostensibly healthy population. It had not been previously curated by ICSL or reported in the Human Gene Mutation Database (HGMD: prior to June 1st, 2018), and was therefore a candidate for classification through an automated scoring system. Utilizing variant allele frequency, disease prevalence and penetrance estimates, and inheritance mode, an automated score was calculated to assess if this variant is too frequent to cause the disease. Based on the score and internal cut-off values, a variant classified as benign is not then subjected to further curation. The score for this variant resulted in a classification of benign for this disease.

Breakthrough Genomics
Classification: Benign. Review status: criteria provided, single submitter. Criteria: ACMG Guidelines, 2015. Collection method: not provided. Allele origin: germline. Inheritance: Autosomal dominant inheritance. Affected: yes.

NM_002272.4(KRT4):c.456C>T (p.Ile152=)

Gene: KRT4 (keratin 4; minus strand). Cytogenetic location: 12q13.13.
Variant type: single nucleotide variant.
Coding change: c.456C>T on transcript NM_002272.4 (MANE Select); coding-DNA position 456, C replaced by T.
Protein change: p.Ile152=; no amino-acid change (isoleucine 152 retained).
Molecular consequence: synonymous variant.
Genome position (GRCh38, 1-based): chr12:52,813,603, G>A on the plus strand (C>T on the coding strand, the complement: KRT4 is on the minus strand). VCF-style: chr12-52813603-G-A. GRCh37 (hg19) VCF-style: chr12-53207387-G-A.
Identifiers: ClinVar variation 309699 (VCV000309699.34), dbSNP rs140582332, ClinGen allele CA6588736.